The following is an entry in ClinVar:

ClinVar aggregate classification (germline): Conflicting classifications of pathogenicity. Review status: criteria provided, conflicting classifications (1 of 4 stars). 4 submissions from 4 submitters: Uncertain significance (3); Likely benign (1). Last evaluated 2025-08-14.

Conditions:
Arrhythmogenic cardiomyopathy with wooly hair and keratoderma. Also called: Dilated cardiomyopathy with woolly hair and keratoderma; Arrhythmogenic cardiomyopathy with woolly hair and keratoderma; PALMOPLANTAR KERATODERMA WITH LEFT VENTRICULAR CARDIOMYOPATHY AND WOOLLY HAIR; Carvajal syndrome. Identifiers: Orphanet 65282, MedGen C1854063, MONDO:0011581, OMIM 605676.
Cardiovascular phenotype. Identifiers: MedGen CN230736.
Arrhythmogenic right ventricular dysplasia 8 (ARVD8). Also called: Arrhythmogenic Right Ventricular Dysplasia/Cardiomyopathy 8; ARRHYTHMOGENIC RIGHT VENTRICULAR DYSPLASIA, FAMILIAL, 8; ARRHYTHMOGENIC RIGHT VENTRICULAR CARDIOMYOPATHY 8. Identifiers: MedGen C1843896, MONDO:0011831, OMIM 607450.

Allele frequency attached by ClinVar (database versions not stated): gnomAD 0.00001.
gnomAD v4.1: 2 of 1,613,964 alleles (0.00012%); highest among the groups gnomAD compares: African/African-American, 0.0027%; no homozygotes.

Submissions (4):

Dasa
Classification: Uncertain significance. Last evaluated: 2025-08-14. Review status: criteria provided, single submitter. Criteria: DASA Assertion Criteria. Collection method: clinical testing. Allele origin: germline.
Comment: NM_004415.4(DSP):c.5785G>A (p.Glu1929Lys) is a missense variant that results in the substitution of glutamic acid with lysine. This variant is rare in population databases. Computational prediction algorithms are consistent with a benign effect. The currently available literature and clinical evidence are not sufficient to establish a definitive association between this variant and the reported condition. Therefore, this variant is classified as a variant of uncertain significance.

Labcorp Genetics (formerly Invitae), Labcorp
Classification: Likely benign for Arrhythmogenic cardiomyopathy with wooly hair and keratoderma; Arrhythmogenic right ventricular dysplasia 8. Last evaluated: 2024-04-22. Review status: criteria provided, single submitter. Criteria: Invitae Variant Classification Sherloc (09022015). Collection method: clinical testing. Allele origin: germline.

All of Us Research Program, National Institutes of Health
Classification: Uncertain significance for Arrhythmogenic cardiomyopathy with wooly hair and keratoderma. Last evaluated: 2023-11-20. Review status: criteria provided, single submitter. Criteria: ACMG Guidelines, 2015. Collection method: clinical testing. Allele origin: germline. Inheritance: Autosomal dominant inheritance. Observed: 1 variant allele, 1 heterozygote.
Comment: This missense variant replaces glutamic acid with lysine at codon 1929 of the DSP protein. Computational prediction suggests that this variant may not impact protein structure and function (internally defined REVEL score threshold <= 0.5, PMID: 27666373). To our knowledge, functional studies have not been reported for this variant. This variant has not been reported in individuals affected with DSP-related disorders in the literature. This variant has been identified in 1/31366 chromosomes in the general population by the Genome Aggregation Database (gnomAD). The available evidence is insufficient to determine the role of this variant in disease conclusively. Therefore, this variant is classified as a Variant of Uncertain Significance.

This study involves interpretation of variants in research participants for the purpose of population health screening. Participant phenotype was not available at the time of variant classification. Additional details can be found in publication PMID: 35346344, PMCID: PMC8962531

Ambry Genetics
Classification: Uncertain significance for Cardiovascular phenotype. Last evaluated: 2022-01-02. Review status: criteria provided, single submitter. Criteria: Ambry Variant Classification Scheme 2023. Collection method: clinical testing. Allele origin: germline.
Comment: The p.E1929K variant (also known as c.5785G>A), located in coding exon 24 of the DSP gene, results from a G to A substitution at nucleotide position 5785. The glutamic acid at codon 1929 is replaced by lysine, an amino acid with similar properties. This amino acid position is conserved. In addition, the in silico prediction for this alteration is inconclusive. Since supporting evidence is limited at this time, the clinical significance of this alteration remains unclear.

NM_004415.4(DSP):c.5785G>A (p.Glu1929Lys)

Gene: DSP (desmoplakin; plus strand). Cytogenetic location: 6p24.3.
Variant type: single nucleotide variant.
Coding change: c.5785G>A on transcript NM_004415.4 (MANE Select); coding-DNA position 5785, G replaced by A.
Protein change: p.Glu1929Lys; replaces glutamic acid 1929 with lysine.
Molecular consequence: missense variant.
Genome position (GRCh38, 1-based): chr6:7,583,047, G>A. VCF-style: chr6-7583047-G-A. GRCh37 (hg19) VCF-style: chr6-7583280-G-A.
Other names: c.3988G>A, p.Glu1330Lys (NM_001008844.3); c.4456G>A, p.Glu1486Lys (NM_001319034.2); short protein forms E1486K, E1929K, E1330K.
Identifiers: ClinVar variation 1749624 (VCV001749624.8), dbSNP rs1044309736, ClinGen allele CA133972315.
Genomic context (GRCh38, chr6:7,583,047, plus strand): 5'-ATTGAAGAGAGGTGCAGGCGTAAGCTGGAGGATTCTACCAGGGAGACACAGTCACAGTTA[G>A]AAACAGAACGCTCCCGATATCAGAGGGAGATTGATAAACTCAGACAGCGCCCATATGGGT-3'
Protein context (NP_004406.2, residues 1919-1939): DSTRETQSQL[Glu1929Lys]TERSRYQREI